The following is an entry in ClinVar:

ClinVar aggregate classification (germline): Benign/Likely benign. Review status: criteria provided, multiple submitters, no conflicts (2 of 4 stars). 3 submissions from 3 submitters: Benign (1); Likely benign (2). Last evaluated 2024-09-20.

Conditions:
Hereditary cancer-predisposing syndrome. Also called: Hereditary neoplastic syndrome; Neoplastic Syndromes, Hereditary; Tumor predisposition; Hereditary Cancer Syndrome. Identifiers: Orphanet 140162, MedGen C0027672, MeSH D009386, MONDO:0015356.
Hereditary diffuse gastric adenocarcinoma (HDGC). Also called: DIFFUSE GASTRIC AND LOBULAR BREAST CANCER SYNDROME. Identifiers: Orphanet 26106, MedGen C1708349, MONDO:0007648, OMIM 137215.

Submissions (3):

Myriad Genetics, Inc.
Classification: Benign for Hereditary diffuse gastric adenocarcinoma. Last evaluated: 2024-09-20. Review status: criteria provided, single submitter. Criteria: Myriad Autosomal Dominant, Autosomal Recessive and X-Linked Classification Criteria (2023). Collection method: clinical testing. Allele origin: unknown.
Comment: This variant is considered benign. This variant is a silent/synonymous amino acid change and it is not expected to impact splicing.

Labcorp Genetics (formerly Invitae), Labcorp
Classification: Likely benign for Hereditary diffuse gastric adenocarcinoma. Last evaluated: 2024-04-14. Review status: criteria provided, single submitter. Criteria: Invitae Variant Classification Sherloc (09022015). Collection method: clinical testing. Allele origin: germline.

Ambry Genetics
Classification: Likely benign for Hereditary cancer-predisposing syndrome. Last evaluated: 2017-05-31. Review status: criteria provided, single submitter. Criteria: Ambry Variant Classification Scheme 2023. Collection method: clinical testing. Allele origin: germline.

NM_004360.5(CDH1):c.2041T>C (p.Leu681=)

Gene: CDH1 (cadherin 1; plus strand). Cytogenetic location: 16q22.1.
Variant type: single nucleotide variant.
Coding change: c.2041T>C on transcript NM_004360.5 (MANE Select); coding-DNA position 2041, T replaced by C.
Protein change: p.Leu681=; no amino-acid change (leucine 681 retained).
Molecular consequence: synonymous variant.
Genome position (GRCh38, 1-based): chr16:68,823,503, T>C. VCF-style: chr16-68823503-T-C. GRCh37 (hg19) VCF-style: chr16-68857406-T-C.
Other names: c.2041T>C (LRG_301t1); c.1858T>C, p.Leu620= (NM_001317184.2); c.493T>C, p.Leu165= (NM_001317185.2); c.76T>C, p.Leu26= (NM_001317186.2).
Identifiers: ClinVar variation 483267 (VCV000483267.15), dbSNP rs1555517106, ClinGen allele CA496393172.
Genomic context (GRCh38, chr16:68,823,503, plus strand): 5'-GGTGACTACAAAATCAATCTCAAGCTCATGGATAACCAGAATAAAGACCAAGTGACCACC[T>C]TAGAGGTCAGCGTGTGTGACTGTGAAGGGGCCGCTGGCGTCTGTAGGAAGGCACAGCCTG-3'
Protein context (NP_004351.1, residues 671-691): DNQNKDQVTT[Leu681=]EVSVCDCEGA